The following is an entry in ClinVar:

NM_000142.5(FGFR3):c.1993G>T (p.Ala665Ser)

Gene: FGFR3 (fibroblast growth factor receptor 3; plus strand). Cytogenetic location: 4p16.3.
Variant type: single nucleotide variant.
Coding change: c.1993G>T on transcript NM_000142.5 (MANE Select); coding-DNA position 1993, G replaced by T.
Protein change: p.Ala665Ser; replaces alanine 665 with serine.
Molecular consequence: missense variant. On other transcripts: non-coding transcript variant (1), intron variant (1).
Genome position (GRCh38, 1-based): chr4:1,806,290, G>T. VCF-style: chr4-1806290-G-T. GRCh37 (hg19) VCF-style: chr4-1808017-G-T.
Other names: c.1999G>T, p.Ala667Ser (NM_001163213.2); c.1996G>T, p.Ala666Ser (NM_001354809.2); c.1657G>T, p.Ala553Ser (NM_022965.4); c.1962+117G>T (NM_001354810.2); short protein forms A667S, A665S, A553S, A666S.
Identifiers: ClinVar variation 465350 (VCV000465350.11), dbSNP rs764892330, ClinGen allele CA2810673.

ClinVar aggregate classification (germline): Uncertain significance. Review status: criteria provided, multiple submitters, no conflicts (2 of 4 stars). 3 submissions from 3 submitters: Uncertain significance (3). Last evaluated 2024-06-22.

Conditions:
Achondroplasia (ACH). Also called: Achondroplastic dwarfism. Identifiers: Orphanet 15, MedGen C0001080, MONDO:0007037, OMIM 100800. Disease mechanism: gain of function.
Malignant tumor of testis. Also called: Testicular cancer. Identifiers: MedGen C0153594, MONDO:0005447.
Hypochondroplasia (HCH). Identifiers: Orphanet 429, MedGen C0410529, MONDO:0007793, OMIM 146000. Disease mechanism: gain of function.
Carcinoma of colon (CRC). Also called: Colonic carcinoma; Colon carcinoma. Identifiers: MedGen C0699790, MONDO:0002032.
Camptodactyly-tall stature-scoliosis-hearing loss syndrome. Also called: CATSHL SYNDROME. Identifiers: Orphanet 85164, MedGen C1864852, MONDO:0012504, OMIM 610474.
Cervical cancer. Also called: Cervix cancer; Cancer of cervix; Cervical cancer, somatic. Identifiers: MedGen C4048328, MONDO:0002974, OMIM 603956, HP:0030079.
Crouzon syndrome-acanthosis nigricans syndrome. Also called: CROUZONODERMOSKELETAL SYNDROME. Identifiers: Orphanet 93262, MedGen C2677099, MONDO:0012833, OMIM 612247.
Thanatophoric dysplasia type 1 (TD1). Also called: LETHAL SHORT-LIMBED PLATYSPONDYLIC DWARFISM, SAN DIEGO TYPE; Thanatophoric Dysplasia Type 1 (TD Type 1); PLATYSPONDYLIC LETHAL SKELETAL DYSPLASIA, SAN DIEGO TYPE. Identifiers: Orphanet 1860, Orphanet 2655, MedGen C1868678, MONDO:0008546, OMIM 187600. Disease mechanism: gain of function.
Thanatophoric dysplasia, type 2 (TD2). Also called: THANATOPHORIC DYSPLASIA WITH KLEEBLATTSCHAEDEL; THANATOPHORIC DYSPLASIA WITH STRAIGHT FEMURS AND CLOVERLEAF SKULL; Thanatophoric Dysplasia Type 2 (TD Type 2); CLOVERLEAF SKULL WITH THANATOPHORIC DWARFISM. Identifiers: Orphanet 2655, Orphanet 93274, MedGen C1300257, MONDO:0008547, OMIM 187601. Disease mechanism: gain of function.
Epidermal nevus. Also called: NEVUS, KERATINOCYTIC, NONEPIDERMOLYTIC; Nevus, epidermal, somatic. Identifiers: Orphanet 79414, MedGen C0334082, MONDO:0008093, OMIM 162900, HP:0010816.
Severe achondroplasia-developmental delay-acanthosis nigricans syndrome. Also called: Severe achondroplasia with developmental delay and acanthosis nigricans; SADDAN dysplasia. Identifiers: Orphanet 85165, MedGen C2674173, MONDO:0014658, OMIM 616482.
Levy-Hollister syndrome (LADD). Also called: LADD syndrome. Identifiers: Orphanet 2363, MedGen C0265269, MONDO:0007872.
Muenke syndrome (MNKES). Also called: MUENKE NONSYNDROMIC CORONAL CRANIOSYNOSTOSIS. Identifiers: Orphanet 53271, MedGen C1864436, MONDO:0011274, OMIM 602849.
Malignant tumor of urinary bladder. Also called: Bladder cancer; Urinary Bladder Neoplasms; Urinary bladder cancer. Identifiers: MedGen C0005684, MONDO:0001187, OMIM 109800.

Allele frequency attached by ClinVar (database versions not stated): gnomAD exomes 0.00001; ExAC 0.00002; gnomAD 0.00002; TOPMed 0.00002.
gnomAD v4.1: 25 of 1,564,022 alleles (0.0016%); highest among the groups gnomAD compares: South Asian, 0.0023%; no homozygotes.

Submissions (3):

Labcorp Genetics (formerly Invitae), Labcorp
Classification: Uncertain significance. Last evaluated: 2024-06-22. Review status: criteria provided, single submitter. Criteria: Invitae Variant Classification Sherloc (09022015). Collection method: clinical testing. Allele origin: germline.
Comment: This sequence change replaces alanine, which is neutral and non-polar, with serine, which is neutral and polar, at codon 665 of the FGFR3 protein (p.Ala665Ser). This variant is present in population databases (rs764892330, gnomAD 0.003%). This variant has not been reported in the literature in individuals affected with FGFR3-related conditions. ClinVar contains an entry for this variant (Variation ID: 465350). Advanced modeling of protein sequence and biophysical properties (such as structural, functional, and spatial information, amino acid conservation, physicochemical variation, residue mobility, and thermodynamic stability) has been performed at Invitae for this missense variant, however the output from this modeling did not meet the statistical confidence thresholds required to predict the impact of this variant on FGFR3 protein function. In summary, the available evidence is currently insufficient to determine the role of this variant in disease. Therefore, it has been classified as a Variant of Uncertain Significance.

GeneDx
Classification: Uncertain significance. Last evaluated: 2022-07-22. Review status: criteria provided, single submitter. Criteria: GeneDx Variant Classification Process June 2021. Collection method: clinical testing. Allele origin: germline. Affected: yes.
Comment: In silico analysis supports that this missense variant has a deleterious effect on protein structure/function; Has not been previously published as pathogenic or benign to our knowledge

Fulgent Genetics
Classification: Uncertain significance for Achondroplasia; Malignant tumor of urinary bladder; Colorectal cancer; Hypochondroplasia; LADD syndrome 1; Epidermal nevus; Thanatophoric dysplasia type 1; Thanatophoric dysplasia, type 2; Germ cell tumor of testis; Muenke syndrome; Cervical cancer; Camptodactyly-tall stature-scoliosis-hearing loss syndrome; Crouzon syndrome-acanthosis nigricans syndrome; Severe achondroplasia-developmental delay-acanthosis nigricans syndrome. Last evaluated: 2018-10-31. Review status: criteria provided, single submitter. Criteria: ACMG Guidelines, 2015. Collection method: clinical testing. Allele origin: unknown.